The following is an entry in ClinVar:

NM_000052.7(ATP7A):c.209G>A (p.Gly70Asp)

Gene: ATP7A (ATPase copper transporting alpha; plus strand). Cytogenetic location: Xq21.1.
Variant type: single nucleotide variant.
Coding change: c.209G>A on transcript NM_000052.7 (MANE Select); coding-DNA position 209, G replaced by A.
Protein change: p.Gly70Asp; replaces glycine 70 with aspartic acid.
Molecular consequence: missense variant.
Genome position (GRCh38, 1-based): chrX:77,988,330, G>A. VCF-style: chrX-77988330-G-A. GRCh37 (hg19) VCF-style: chrX-77243826-G-A.
Other names: c.209G>A, p.Gly70Asp (NM_001282224.2); short protein forms G70D.
Identifiers: ClinVar variation 796047 (VCV000796047.13), dbSNP rs782415705, ClinGen allele CA10458896.

ClinVar aggregate classification (germline): Conflicting classifications of pathogenicity. Review status: criteria provided, conflicting classifications (1 of 4 stars). 3 submissions from 3 submitters: Uncertain significance (1); Benign (1); Likely benign (1). Last evaluated 2025-09-02.

Conditions:
Menkes kinky-hair syndrome (MNK). Also called: Copper transport disease; Classic Menkes Disease; Menkes Disease. Identifiers: Orphanet 565, MedGen C0022716, MONDO:0010651, OMIM 309400.
X-linked distal spinal muscular atrophy type 3. Also called: ATP7A-Related Distal Motor Neuropathy; SPINAL MUSCULAR ATROPHY, DISTAL, X-LINKED RECESSIVE; NEURONOPATHY, DISTAL HEREDITARY MOTOR, X-LINKED; NEUROPATHY, DISTAL HEREDITARY MOTOR, X-LINKED. Identifiers: Orphanet 139557, MedGen C1845359, MONDO:0010338, OMIM 300489.
Cutis laxa, X-linked (OHS). Also called: EDS IX; Occipital horn syndrome. Identifiers: Orphanet 198, MedGen C0268353, MONDO:0010572, OMIM 304150.

Allele frequency attached by ClinVar (database versions not stated): ExAC 0.00006; gnomAD 0.00007 and 0.00008; gnomAD exomes 0.00007.
gnomAD v4.1: 39 of 1,204,669 alleles (0.0032%); highest among the groups gnomAD compares: East Asian, 0.0059%; no homozygotes.

Submissions (3):

Myriad Genetics, Inc.
Classification: Uncertain significance for Menkes kinky-hair syndrome. Last evaluated: 2025-09-02. Review status: criteria provided, single submitter. Criteria: Myriad Autosomal Dominant, Autosomal Recessive and X-Linked Classification Criteria (2023). Collection method: clinical testing. Allele origin: unknown.
Comment: NM_000052.5(ATP7A):c.209G>A(G70D) is a missense variant classified as a variant of uncertain significance in the context of ATP7A-related disorders. G70D has not been observed in cases with relevant disease. Relevant functional assessments of this variant are not available in the literature. G70D has been observed in referenced population frequency databases. In summary, there is insufficient evidence to classify NM_000052.5(ATP7A):c.209G>A(G70D) as pathogenic or benign. Please note: this variant was assessed in the context of healthy population screening.

Labcorp Genetics (formerly Invitae), Labcorp
Classification: Benign for X-linked distal spinal muscular atrophy type 3; Cutis laxa, X-linked; Menkes kinky-hair syndrome. Last evaluated: 2025-03-31. Review status: criteria provided, single submitter. Criteria: Invitae Variant Classification Sherloc (09022015). Collection method: clinical testing. Allele origin: germline.

Blueprint Genetics
Classification: Likely benign. Last evaluated: 2023-05-24. Review status: criteria provided, single submitter. Criteria: ACMG Guidelines, 2015. Collection method: clinical testing. Allele origin: germline.